The following is an entry in ClinVar:

NM_001943.5(DSG2):c.955G>A (p.Gly319Ser)

Gene: DSG2 (desmoglein 2; plus strand). Cytogenetic location: 18q12.1.
Variant type: single nucleotide variant.
Coding change: c.955G>A on transcript NM_001943.5 (MANE Select); coding-DNA position 955, G replaced by A.
Protein change: p.Gly319Ser; replaces glycine 319 with serine.
Molecular consequence: missense variant.
Genome position (GRCh38, 1-based): chr18:31,524,829, G>A. VCF-style: chr18-31524829-G-A. GRCh37 (hg19) VCF-style: chr18-29104792-G-A.
Other names: c.955G>A (LRG_397t1); short protein forms G319S.
Identifiers: ClinVar variation 422911 (VCV000422911.6), dbSNP rs1064796086, ClinGen allele CA16620678.

ClinVar aggregate classification (germline): Uncertain significance. Review status: criteria provided, multiple submitters, no conflicts (2 of 4 stars). 2 submissions from 2 submitters: Uncertain significance (2). Last evaluated 2024-05-21.

Conditions:
Arrhythmogenic right ventricular dysplasia 10. Also called: ARRHYTHMOGENIC RIGHT VENTRICULAR DYSPLASIA, FAMILIAL, 10; Arrhythmogenic Right Ventricular Dysplasia/Cardiomyopathy10; Arrhythmogenic right ventricular dysplasia/cardiomyopathy, type 10. Identifiers: MedGen C1857777, MONDO:0012434, OMIM 610193.

Submissions (2):

Labcorp Genetics (formerly Invitae), Labcorp
Classification: Uncertain significance for Arrhythmogenic right ventricular dysplasia 10. Last evaluated: 2024-05-21. Review status: criteria provided, single submitter. Criteria: Invitae Variant Classification Sherloc (09022015). Collection method: clinical testing. Allele origin: germline.
Comment: This sequence change replaces glycine, which is neutral and non-polar, with serine, which is neutral and polar, at codon 319 of the DSG2 protein (p.Gly319Ser). This variant is not present in population databases (gnomAD no frequency). This variant has not been reported in the literature in individuals affected with DSG2-related conditions. ClinVar contains an entry for this variant (Variation ID: 422911). Advanced modeling of protein sequence and biophysical properties (such as structural, functional, and spatial information, amino acid conservation, physicochemical variation, residue mobility, and thermodynamic stability) performed at Invitae indicates that this missense variant is not expected to disrupt DSG2 protein function with a negative predictive value of 95%. In summary, the available evidence is currently insufficient to determine the role of this variant in disease. Therefore, it has been classified as a Variant of Uncertain Significance.

GeneDx
Classification: Uncertain significance. Last evaluated: 2024-04-04. Review status: criteria provided, single submitter. Criteria: GeneDx Variant Classification Process June 2021. Collection method: clinical testing. Allele origin: germline. Affected: yes.
Comment: Not observed at significant frequency in large population cohorts (gnomAD); In silico analysis indicates that this missense variant does not alter protein structure/function; Has not been previously published as pathogenic or benign to our knowledge